The following is an entry in ClinVar:

ClinVar aggregate classification (germline): Uncertain significance (1 of 4 stars; one submission).

gnomAD v4.1: 2 of 1,613,236 alleles (0.00012%); highest among the groups gnomAD compares: Admixed American, 0.0033%; no homozygotes.

Submission:

GeneDx
Classification: Uncertain significance. Last evaluated: 2025-02-19. Review status: criteria provided, single submitter. Criteria: GeneDx Variant Classification Process June 2021. Collection method: clinical testing. Allele origin: germline. Affected: yes.
Comment: Not observed at significant frequency in large population cohorts (gnomAD); In silico analysis indicates that this missense variant does not alter protein structure/function; Has not been previously published as pathogenic or benign to our knowledge

NM_182925.5(FLT4):c.301G>A (p.Val101Ile)

Gene: FLT4 (fms related receptor tyrosine kinase 4; minus strand). Cytogenetic location: 5q35.3.
Variant type: single nucleotide variant.
Coding change: c.301G>A on transcript NM_182925.5 (MANE Select); coding-DNA position 301, G replaced by A.
Protein change: p.Val101Ile; replaces valine 101 with isoleucine.
Molecular consequence: missense variant.
Genome position (GRCh38, 1-based): chr5:180,630,654, C>T on the plus strand (G>A on the coding strand, the complement: FLT4 is on the minus strand). VCF-style: chr5-180630654-C-T. GRCh37 (hg19) VCF-style: chr5-180057654-C-T.
Other names: c.301G>A, p.Val101Ile (NM_001354989.2, NM_002020.5); short protein forms V101I.
Identifiers: ClinVar variation 4076719 (VCV004076719.1).